The following is an entry in ClinVar:

NM_022893.4(BCL11A):c.289A>T (p.Asn97Tyr)

Gene: BCL11A (BCL11 transcription factor A; minus strand). Cytogenetic location: 2p16.1.
Variant type: single nucleotide variant.
Coding change: c.289A>T on transcript NM_022893.4 (MANE Select); coding-DNA position 289, A replaced by T.
Protein change: p.Asn97Tyr; replaces asparagine 97 with tyrosine.
Molecular consequence: missense variant. On other transcripts: 5 prime UTR variant (7).
Genome position (GRCh38, 1-based): chr2:60,546,067, T>A on the plus strand (A>T on the coding strand, the complement: BCL11A is on the minus strand). VCF-style: chr2-60546067-T-A. GRCh37 (hg19) VCF-style: chr2-60773202-T-A.
Other names: c.289A>T, p.Asn97Tyr (NM_001363864.1, NM_001365609.1, NM_001405708.1 and 10 more transcripts); c.133A>T, p.Asn45Tyr (NM_001405713.1, NM_001405714.1, NM_001405715.1 and 10 more transcripts); c.-137A>T (NM_001405720.1, NM_001405721.1); c.-387A>T (NM_001405725.1, NM_001405726.1, NM_001405731.1); c.-244A>T (NM_001405727.1, NM_001405728.1); short protein forms N45Y, N97Y.
Identifiers: ClinVar variation 3366110 (VCV003366110.1).

ClinVar aggregate classification (germline): Uncertain significance (1 of 4 stars; one submission).

Submission:

GeneDx
Classification: Uncertain significance. Last evaluated: 2023-10-12. Review status: criteria provided, single submitter. Criteria: GeneDx Variant Classification Process June 2021. Collection method: clinical testing. Allele origin: germline. Affected: yes.
Comment: Not observed at significant frequency in large population cohorts (gnomAD); In silico analysis supports that this missense variant does not alter protein structure/function; Has not been previously published as pathogenic or benign to our knowledge